The following is an entry in ClinVar:

NM_006383.4(CIB2):c.47A>G (p.Tyr16Cys)

Genes: CIB2 (calcium and integrin binding family member 2; minus strand), LOC130057683 (ATAC-STARR-seq lymphoblastoid silent region 6705; plus strand). Cytogenetic location: 15q25.1.
Variant type: single nucleotide variant.
Coding change: c.47A>G on transcript NM_006383.4 (MANE Select); coding-DNA position 47, A replaced by G.
Protein change: p.Tyr16Cys; replaces tyrosine 16 with cysteine.
Molecular consequence: missense variant. On other transcripts: 5 prime UTR variant (1), non-coding transcript variant (1).
Genome position (GRCh38, 1-based): chr15:78,131,169, T>C on the plus strand (A>G on the coding strand, the complement: CIB2 is on the minus strand). VCF-style: chr15-78131169-T-C. GRCh37 (hg19) VCF-style: chr15-78423511-T-C.
Other names: c.-48A>G (NM_001271888.2); c.47A>G, p.Tyr16Cys (NM_001271889.2, NM_001301224.2); short protein forms Y16C.
Identifiers: ClinVar variation 1709624 (VCV001709624.2), dbSNP rs2074450184, ClinGen allele CA393551925.
Genomic context (GRCh38, chr15:78,131,169, plus strand): 5'-GGGAGGGGCGGCGGGGCGGCGGGGCCTGTGTTGGGGGCCGGGCGCGCCGAGCTCACCTGG[T>C]AGTTGTCTAGCTGCTCTTCGGTGAAGATGGTCTGCTTGTTCCCCATGGTGGCCGCCGCGC-3'
Protein context (NP_006374.1, residues 6-26): TIFTEEQLDN[Tyr16Cys]QDCTFFNKKD

ClinVar aggregate classification (germline): Uncertain significance (1 of 4 stars; one submission).

Conditions:
Autosomal recessive nonsyndromic hearing loss 48. Also called: Deafness, autosomal recessive 48; Usher Syndrome Type 1J. Identifiers: Orphanet 231169, Orphanet 886, Orphanet 90636, MedGen C1836199, MONDO:0012273, OMIM 609439.

Allele frequency attached by ClinVar (database versions not stated): TOPMed below 0.00001.

Submission:

MGZ Medical Genetics Center
Classification: Uncertain significance for Autosomal recessive nonsyndromic hearing loss 48. Last evaluated: 2022-08-04. Review status: criteria provided, single submitter. Criteria: ACMG Guidelines, 2015. Collection method: clinical testing. Allele origin: germline. Affected: yes. Observed: 4 variant alleles.
Comment: ACMG criteria applied: PM2_SUP, PM3_SUP, PP3